The following is an entry in ClinVar:

NM_000179.3(MSH6):c.2573T>C (p.Phe858Ser)

Gene: MSH6 (mutS homolog 6; plus strand). Cytogenetic location: 2p16.3.
Variant type: single nucleotide variant.
Coding change: c.2573T>C on transcript NM_000179.3 (MANE Select); coding-DNA position 2573, T replaced by C.
Protein change: p.Phe858Ser; replaces phenylalanine 858 with serine.
Molecular consequence: missense variant.
Genome position (GRCh38, 1-based): chr2:47,800,556, T>C. VCF-style: chr2-47800556-T-C. GRCh37 (hg19) VCF-style: chr2-48027695-T-C.
Other names: c.2276T>C, p.Phe759Ser (NM_001406797.1, NM_001406801.1, NM_001406805.1 and 10 more transcripts); c.2573T>C, p.Phe858Ser (NM_001406800.1, NM_001406798.1, NM_001406796.1 and 2 more transcripts); c.2669T>C, p.Phe890Ser (NM_001406802.1, NM_001406795.1); c.2048T>C, p.Phe683Ser (NM_001406799.1, NM_001406806.1, NM_001406807.1); c.2183T>C, p.Phe728Ser (NM_001281492.2); c.1667T>C, p.Phe556Ser (NM_001281493.2, NM_001281494.2, NM_001406811.1 and 6 more transcripts); c.2495T>C, p.Phe832Ser (NM_001406804.1); c.2579T>C, p.Phe860Ser (NM_001406813.1); and 1 more; short protein forms F556S, F858S, F890S, F728S, F759S, F832S, F683S, F860S.
Identifiers: ClinVar variation 1793280 (VCV001793280.2), dbSNP rs2104413343, ClinGen allele CA346754743.

ClinVar aggregate classification (germline): Uncertain significance (1 of 4 stars; one submission).

Conditions:
Hereditary cancer-predisposing syndrome. Also called: Tumor predisposition; Hereditary Cancer Syndrome; Neoplastic Syndromes, Hereditary; Hereditary neoplastic syndrome. Identifiers: Orphanet 140162, MedGen C0027672, MeSH D009386, MONDO:0015356.

Submission:

Ambry Genetics
Classification: Uncertain significance for Hereditary cancer-predisposing syndrome. Last evaluated: 2019-11-12. Review status: criteria provided, single submitter. Criteria: Ambry Variant Classification Scheme 2023. Collection method: clinical testing. Allele origin: germline.
Comment: The p.F858S variant (also known as c.2573T>C), located in coding exon 4 of the MSH6 gene, results from a T to C substitution at nucleotide position 2573. The phenylalanine at codon 858 is replaced by serine, an amino acid with highly dissimilar properties. This amino acid position is highly conserved in available vertebrate species. In addition, this alteration is predicted to be deleterious by in silico analysis. Since supporting evidence is limited at this time, the clinical significance of this alteration remains unclear.